The following is an entry in ClinVar:

ClinVar aggregate classification (germline): Benign/Likely benign. Review status: criteria provided, multiple submitters, no conflicts (2 of 4 stars). 3 submissions from 3 submitters: Benign (1); Likely benign (2). Last evaluated 2025-12-22.

Allele frequency attached by ClinVar (database versions not stated): gnomAD exomes 0.00011 and 0.00022; ExAC 0.00037; 1000 Genomes Project 0.00100; 1000 Genomes Project 30x 0.00109; ESP Exome Variant Server 0.00115; gnomAD 0.00122 and 0.00138; TOPMed 0.00138.
gnomAD v4.1: 352 of 1,603,448 alleles (0.022%); highest among the groups gnomAD compares: African/African-American, 0.43%; no homozygotes.

Submissions (3):

Labcorp Genetics (formerly Invitae), Labcorp
Classification: Benign. Last evaluated: 2025-12-22. Review status: criteria provided, single submitter. Criteria: Invitae Variant Classification Sherloc (09022015). Collection method: clinical testing. Allele origin: germline.

Blueprint Genetics
Classification: Likely benign. Last evaluated: 2024-08-28. Review status: criteria provided, single submitter. Criteria: ACMG Guidelines, 2015. Collection method: clinical testing. Allele origin: germline.

CeGaT Center for Human Genetics Tuebingen
Classification: Likely benign. Last evaluated: 2024-08-01. Review status: criteria provided, single submitter. Criteria: CeGaT Center For Human Genetics Tuebingen Variant Classification Criteria Version 2. Collection method: clinical testing. Allele origin: germline. Affected: yes. Observed: 1 variant allele.
Comment: LARP7: BP4, BP7

NM_016648.4(LARP7):c.1530T>C (p.Tyr510=)

Gene: LARP7 (La ribonucleoprotein 7, transcriptional regulator; plus strand). Cytogenetic location: 4q25.
Variant type: single nucleotide variant.
Coding change: c.1530T>C on transcript NM_016648.4 (MANE Select); coding-DNA position 1530, T replaced by C.
Protein change: p.Tyr510=; no amino-acid change (tyrosine 510 retained).
Molecular consequence: synonymous variant.
Genome position (GRCh38, 1-based): chr4:112,653,190, T>C. VCF-style: chr4-112653190-T-C. GRCh37 (hg19) VCF-style: chr4-113574346-T-C.
Other names: c.1530T>C, p.Tyr510= (NM_001267039.4, NM_001370978.1, NM_015454.3); c.1569T>C, p.Tyr523= (NM_001370974.1, NM_001370975.1); c.1566T>C, p.Tyr522= (NM_001370976.1, NM_001370977.1); c.1527T>C, p.Tyr509= (NM_001370979.1, NM_001370980.1); c.1293T>C, p.Tyr431= (NM_001370981.1, NM_001370982.1).
Identifiers: ClinVar variation 726149 (VCV000726149.27), dbSNP rs142973597, ClinGen allele CA3049719.